The following is an entry in ClinVar:

NM_000256.3(MYBPC3):c.1897+25G>A

Gene: MYBPC3 (myosin binding protein C3; minus strand). Cytogenetic location: 11p11.2.
Variant type: single nucleotide variant.
Coding change: c.1897+25G>A on transcript NM_000256.3 (MANE Select); 25 bases into the intron after coding-DNA position 1897, G replaced by A.
Molecular consequence: intron variant.
Genome position (GRCh38, 1-based): chr11:47,341,113, C>T on the plus strand (G>A on the coding strand, the complement: MYBPC3 is on the minus strand). VCF-style: chr11-47341113-C-T. GRCh37 (hg19) VCF-style: chr11-47362664-C-T.
Identifiers: ClinVar variation 1143202 (VCV001143202.12), dbSNP rs374625369, ClinGen allele CA078368.
Genomic context (GRCh38, chr11:47,341,113, plus strand): 5'-AGTAGCACGGGGGCAAAGGCAGGGCCCAGTGACAGGGGCTCCTGGCCCCACTGCCCCGAC[C>T]CACCCTACCCTGGAGCAGGCTCACCCATGAAGTGGAGCTTGGCTGACAGGTTGCAGGCGA-3'

ClinVar aggregate classification (germline): Likely benign. Review status: criteria provided, multiple submitters, no conflicts (2 of 4 stars). 2 submissions from 2 submitters: Likely benign (2). Last evaluated 2022-07-19.

Conditions:
Hypertrophic cardiomyopathy. Also called: HYPERTROPHIC MYOCARDIOPATHY. Identifiers: Orphanet 217569, MedGen C0007194, MeSH D002312, MONDO:0005045, HP:0001639.

Allele frequency attached by ClinVar (database versions not stated): gnomAD exomes 0.00001 and 0.00002; ESP Exome Variant Server 0.00016; TOPMed 0.00020; gnomAD 0.00023 and 0.00026.
gnomAD v4.1: 52 of 1,572,398 alleles (0.0033%); highest among the groups gnomAD compares: African/African-American, 0.064%; no homozygotes.

Submissions (2):

Labcorp Genetics (formerly Invitae), Labcorp
Classification: Likely benign for Hypertrophic cardiomyopathy. Last evaluated: 2022-07-19. Review status: criteria provided, single submitter. Criteria: Invitae Variant Classification Sherloc (09022015). Collection method: clinical testing. Allele origin: germline.

GeneDx
Classification: Likely benign. Last evaluated: 2019-12-23. Review status: criteria provided, single submitter. Criteria: GeneDx Variant Classification Process June 2021. Collection method: clinical testing. Allele origin: germline. Affected: yes.
Comment: This variant is associated with the following publications: (PMID: 28679633)